The following is an entry in ClinVar:

ClinVar aggregate classification (germline): Uncertain significance (1 of 4 stars; one submission).

Allele frequency attached by ClinVar (database versions not stated): ExAC 0.00001; gnomAD exomes 0.00002.
gnomAD v4.1: 8 of 1,614,006 alleles (0.0005%); highest among the groups gnomAD compares: Admixed American, 0.0017%; no homozygotes.

Submission:

Labcorp Genetics (formerly Invitae), Labcorp
Classification: Uncertain significance. Last evaluated: 2024-10-22. Review status: criteria provided, single submitter. Criteria: Invitae Variant Classification Sherloc (09022015). Collection method: clinical testing. Allele origin: germline.
Comment: This sequence change replaces arginine, which is basic and polar, with cysteine, which is neutral and slightly polar, at codon 373 of the SLC1A2 protein (p.Arg373Cys). This variant is present in population databases (rs765605138, gnomAD 0.01%). This variant has not been reported in the literature in individuals affected with SLC1A2-related conditions. ClinVar contains an entry for this variant (Variation ID: 1404391). Invitae Evidence Modeling of protein sequence and biophysical properties (such as structural, functional, and spatial information, amino acid conservation, physicochemical variation, residue mobility, and thermodynamic stability) indicates that this missense variant is expected to disrupt SLC1A2 protein function with a positive predictive value of 80%. In summary, the available evidence is currently insufficient to determine the role of this variant in disease. Therefore, it has been classified as a Variant of Uncertain Significance.

NM_004171.4(SLC1A2):c.1117C>T (p.Arg373Cys)

Gene: SLC1A2 (solute carrier family 1 member 2; minus strand). Cytogenetic location: 11p13.
Variant type: single nucleotide variant.
Coding change: c.1117C>T on transcript NM_004171.4 (MANE Select); coding-DNA position 1117, C replaced by T.
Protein change: p.Arg373Cys; replaces arginine 373 with cysteine.
Molecular consequence: missense variant.
Genome position (GRCh38, 1-based): chr11:35,286,926, G>A on the plus strand (C>T on the coding strand, the complement: SLC1A2 is on the minus strand). VCF-style: chr11-35286926-G-A. GRCh37 (hg19) VCF-style: chr11-35308473-G-A.
Other names: c.1090C>T, p.Arg364Cys (NM_001195728.3, NM_001252652.2); short protein forms R364C, R373C.
Identifiers: ClinVar variation 1404391 (VCV001404391.8), dbSNP rs765605138, ClinGen allele CA5947149.